The following is an entry in ClinVar:

ClinVar aggregate classification (germline): Uncertain significance. Review status: criteria provided, multiple submitters, no conflicts (2 of 4 stars). 2 submissions from 2 submitters: Uncertain significance (2). Last evaluated 2024-11-05.

Allele frequency attached by ClinVar (database versions not stated): gnomAD exomes 0.00002.

Submissions (2):

Labcorp Genetics (formerly Invitae), Labcorp
Classification: Uncertain significance. Last evaluated: 2024-11-05. Review status: criteria provided, single submitter. Criteria: Invitae Variant Classification Sherloc (09022015). Collection method: clinical testing. Allele origin: germline.
Comment: This sequence change replaces proline, which is neutral and non-polar, with leucine, which is neutral and non-polar, at codon 46 of the PLEKHG2 protein (p.Pro46Leu). This variant is present in population databases (no rsID available, gnomAD 0.02%). This variant has not been reported in the literature in individuals affected with PLEKHG2-related conditions. ClinVar contains an entry for this variant (Variation ID: 1361967). An algorithm developed to predict the effect of missense changes on protein structure and function outputs the following: PolyPhen-2: "Benign". The leucine amino acid residue is found in multiple mammalian species, which suggests that this missense change does not adversely affect protein function. In summary, the available evidence is currently insufficient to determine the role of this variant in disease. Therefore, it has been classified as a Variant of Uncertain Significance.

Ambry Genetics
Classification: Uncertain significance. Last evaluated: 2024-10-25. Review status: criteria provided, single submitter. Criteria: Ambry Variant Classification Scheme 2023. Collection method: clinical testing. Allele origin: germline.

NM_022835.3(PLEKHG2):c.137C>T (p.Pro46Leu)

Gene: PLEKHG2 (pleckstrin homology and RhoGEF domain containing G2; plus strand). Cytogenetic location: 19q13.2.
Variant type: single nucleotide variant.
Coding change: c.137C>T on transcript NM_022835.3 (MANE Select); coding-DNA position 137, C replaced by T.
Protein change: p.Pro46Leu; replaces proline 46 with leucine.
Molecular consequence: missense variant. On other transcripts: intron variant (1).
Genome position (GRCh38, 1-based): chr19:39,415,019, C>T. VCF-style: chr19-39415019-C-T. GRCh37 (hg19) VCF-style: chr19-39905659-C-T.
Other names: c.137C>T (NM_022835.2); c.137C>T, p.Pro46Leu (NM_001351694.2); c.110-150C>T (NM_001351693.2); short protein forms P46L.
Identifiers: ClinVar variation 1361967 (VCV001361967.9), dbSNP rs1211640713, ClinGen allele CA405786890.